The following is an entry in ClinVar:

NM_000264.5(PTCH1):c.2779G>A (p.Val927Ile)

Gene: PTCH1 (patched 1; minus strand). Cytogenetic location: 9q22.32.
Variant type: single nucleotide variant.
Coding change: c.2779G>A on transcript NM_000264.5 (MANE Select); coding-DNA position 2779, G replaced by A.
Protein change: p.Val927Ile; replaces valine 927 with isoleucine.
Molecular consequence: missense variant. On other transcripts: non-coding transcript variant (1).
Genome position (GRCh38, 1-based): chr9:95,459,708, C>T on the plus strand (G>A on the coding strand, the complement: PTCH1 is on the minus strand). VCF-style: chr9-95459708-C-T. GRCh37 (hg19) VCF-style: chr9-98221990-C-T.
Other names: c.2581G>A, p.Val861Ile (NM_001083602.3); c.2776G>A, p.Val926Ile (NM_001083603.3); c.2326G>A, p.Val776Ile (NM_001083604.3, NM_001083605.3, NM_001083606.3 and 1 more transcripts); c.2623G>A, p.Val875Ile (NM_001354918.2); short protein forms V927I, V861I, V875I, V776I, V926I.
Identifiers: ClinVar variation 486219 (VCV000486219.5), dbSNP rs1554691693, ClinGen allele CA374113097.

ClinVar aggregate classification (germline): Uncertain significance (1 of 4 stars; one submission).

Conditions:
Hereditary cancer-predisposing syndrome. Also called: Tumor predisposition; Hereditary Cancer Syndrome; Hereditary neoplastic syndrome; Neoplastic Syndromes, Hereditary. Identifiers: Orphanet 140162, MedGen C0027672, MeSH D009386, MONDO:0015356.

Allele frequency attached by ClinVar (database versions not stated): gnomAD exomes below 0.00001.
gnomAD v4.1: 2 of 1,614,204 alleles (0.00012%); highest among the groups gnomAD compares: African/African-American, 0.0027%; no homozygotes.

Submission:

Ambry Genetics
Classification: Uncertain significance for Hereditary cancer-predisposing syndrome. Last evaluated: 2019-12-17. Review status: criteria provided, single submitter. Criteria: Ambry Variant Classification Scheme 2023. Collection method: clinical testing. Allele origin: germline.
Comment: The p.V927I variant (also known as c.2779G>A), located in coding exon 17 of the PTCH1 gene, results from a G to A substitution at nucleotide position 2779. The valine at codon 927 is replaced by isoleucine, an amino acid with highly similar properties. This amino acid position is highly conserved in available vertebrate species. In addition, the in silico prediction for this alteration is inconclusive. Since supporting evidence is limited at this time, the clinical significance of this alteration remains unclear.